The following is an entry in ClinVar:

ClinVar aggregate classification (germline): Uncertain significance (1 of 4 stars; one submission).

Allele frequency attached by ClinVar (database versions not stated): gnomAD exomes 0.00001; ExAC 0.00002.
gnomAD v4.1: 6 of 1,613,444 alleles (0.00037%); highest among the groups gnomAD compares: South Asian, 0.0066%; no homozygotes.

Submission:

Labcorp Genetics (formerly Invitae), Labcorp
Classification: Uncertain significance. Last evaluated: 2024-04-20. Review status: criteria provided, single submitter. Criteria: Invitae Variant Classification Sherloc (09022015). Collection method: clinical testing. Allele origin: germline.
Comment: This sequence change replaces valine, which is neutral and non-polar, with alanine, which is neutral and non-polar, at codon 1654 of the HMCN1 protein (p.Val1654Ala). This variant is present in population databases (rs767227465, gnomAD 0.01%). This variant has not been reported in the literature in individuals affected with HMCN1-related conditions. ClinVar contains an entry for this variant (Variation ID: 2030003). An algorithm developed to predict the effect of missense changes on protein structure and function (PolyPhen-2) suggests that this variant is likely to be tolerated. In summary, the available evidence is currently insufficient to determine the role of this variant in disease. Therefore, it has been classified as a Variant of Uncertain Significance.

NM_031935.3(HMCN1):c.4961T>C (p.Val1654Ala)

Gene: HMCN1 (hemicentin 1; plus strand). Cytogenetic location: 1q31.1.
Variant type: single nucleotide variant.
Coding change: c.4961T>C on transcript NM_031935.3 (MANE Select); coding-DNA position 4961, T replaced by C.
Protein change: p.Val1654Ala; replaces valine 1654 with alanine.
Molecular consequence: missense variant.
Genome position (GRCh38, 1-based): chr1:186,016,009, T>C. VCF-style: chr1-186016009-T-C. GRCh37 (hg19) VCF-style: chr1-185985141-T-C.
Other names: short protein forms V1654A.
Identifiers: ClinVar variation 2030003 (VCV002030003.4), dbSNP rs767227465, ClinGen allele CA1292151.